The following is an entry in ClinVar:

NM_002439.5(MSH3):c.2656-3C>T

Gene: MSH3 (mutS homolog 3; plus strand). Cytogenetic location: 5q14.1.
Variant type: single nucleotide variant.
Coding change: c.2656-3C>T on transcript NM_002439.5 (MANE Select); 3 bases into the intron before coding-DNA position 2656, C replaced by T.
Molecular consequence: intron variant.
Genome position (GRCh38, 1-based): chr5:80,813,581, C>T. VCF-style: chr5-80813581-C-T. GRCh37 (hg19) VCF-style: chr5-80109400-C-T.
Identifiers: ClinVar variation 849029 (VCV000849029.13), dbSNP rs1745045881, ClinGen allele CA916082730.

ClinVar aggregate classification (germline): Uncertain significance. Review status: criteria provided, multiple submitters, no conflicts (2 of 4 stars). 2 submissions from 2 submitters: Uncertain significance (2). Last evaluated 2025-06-07.

Conditions:
Hereditary cancer-predisposing syndrome. Also called: Tumor predisposition; Neoplastic Syndromes, Hereditary; Hereditary neoplastic syndrome; Hereditary Cancer Syndrome. Identifiers: Orphanet 140162, MedGen C0027672, MeSH D009386, MONDO:0015356.

Allele frequency attached by ClinVar (database versions not stated): gnomAD exomes below 0.00001.
gnomAD v4.1: 4 of 1,613,994 alleles (0.00025%); highest among the groups gnomAD compares: Non-Finnish European, 0.00034%; no homozygotes.

Submissions (2):

Ambry Genetics
Classification: Uncertain significance for Hereditary cancer-predisposing syndrome. Last evaluated: 2025-06-07. Review status: criteria provided, single submitter. Criteria: Ambry Variant Classification Scheme 2023. Collection method: clinical testing. Allele origin: germline.
Comment: The c.2656-3C>T intronic variant results from a C to T substitution 3 nucleotides upstream from coding exon 20 in the MSH3 gene. This nucleotide position is not well conserved in available vertebrate species. In silico splice site analysis predicts that this alteration will not have any significant effect on splicing. Since supporting evidence is limited at this time, the clinical significance of this alteration remains unclear.

Labcorp Genetics (formerly Invitae), Labcorp
Classification: Uncertain significance. Last evaluated: 2025-04-28. Review status: criteria provided, single submitter. Criteria: Invitae Variant Classification Sherloc (09022015). Collection method: clinical testing. Allele origin: germline.
Comment: This sequence change falls in intron 19 of the MSH3 gene. It does not directly change the encoded amino acid sequence of the MSH3 protein. It affects a nucleotide within the consensus splice site. This variant is not present in population databases (gnomAD no frequency). This variant has not been reported in the literature in individuals affected with MSH3-related conditions. ClinVar contains an entry for this variant (Variation ID: 849029). Variants that disrupt the consensus splice site are a relatively common cause of aberrant splicing (PMID: 17576681, 9536098). Algorithms developed to predict the effect of sequence changes on RNA splicing suggest that this variant is not likely to affect RNA splicing. In summary, the available evidence is currently insufficient to determine the role of this variant in disease. Therefore, it has been classified as a Variant of Uncertain Significance.

Literature cited by the submitters: PubMed 17576681 (cited by Labcorp Genetics (formerly Invitae), Labcorp); PubMed 9536098 (cited by Labcorp Genetics (formerly Invitae), Labcorp).